The following is an entry in ClinVar:

NM_001009999.3(KDM1A):c.2380G>A (p.Gly794Arg)

Gene: KDM1A (lysine demethylase 1A; plus strand). Cytogenetic location: 1p36.12.
Variant type: single nucleotide variant.
Coding change: c.2380G>A on transcript NM_001009999.3 (MANE Select); coding-DNA position 2380, G replaced by A.
Protein change: p.Gly794Arg; replaces glycine 794 with arginine.
Molecular consequence: missense variant.
Genome position (GRCh38, 1-based): chr1:23,082,301, G>A. VCF-style: chr1-23082301-G-A. GRCh37 (hg19) VCF-style: chr1-23408794-G-A.
Other names: c.2326G>A, p.Gly776Arg (NM_001363654.2); c.2386G>A, p.Gly796Arg (NM_001410762.1); c.2308G>A, p.Gly770Arg (NM_001410763.1, NM_015013.4); short protein forms G770R, G776R, G794R, G796R.
Identifiers: ClinVar variation 3391797 (VCV003391797.1).

ClinVar aggregate classification (germline): Uncertain significance (1 of 4 stars; one submission).

Submission:

GeneDx
Classification: Uncertain significance. Last evaluated: 2024-06-22. Review status: criteria provided, single submitter. Criteria: GeneDx Variant Classification Process June 2021. Collection method: clinical testing. Allele origin: germline. Affected: yes.
Comment: Not observed at significant frequency in large population cohorts (gnomAD); In silico analysis supports that this missense variant has a deleterious effect on protein structure/function; Has not been previously published as pathogenic or benign to our knowledge